The following is an entry in ClinVar:

NM_001171.6(ABCC6):c.2390G>A (p.Gly797Glu)

Gene: ABCC6 (ATP binding cassette subfamily C member 6; minus strand). Cytogenetic location: 16p13.11.
Variant type: single nucleotide variant.
Coding change: c.2390G>A on transcript NM_001171.6 (MANE Select); coding-DNA position 2390, G replaced by A.
Protein change: p.Gly797Glu; replaces glycine 797 with glutamic acid.
Molecular consequence: missense variant. On other transcripts: non-coding transcript variant (1).
Genome position (GRCh38, 1-based): chr16:16,178,823, C>T on the plus strand (G>A on the coding strand, the complement: ABCC6 is on the minus strand). VCF-style: chr16-16178823-C-T. GRCh37 (hg19) VCF-style: chr16-16272680-C-T.
Other names: c.2048G>A, p.Gly683Glu (NM_001351800.1); short protein forms G797E, G683E.
Identifiers: ClinVar variation 429768 (VCV000429768.2), dbSNP rs768570780, ClinGen allele CA7925945.

ClinVar aggregate classification (germline): Likely pathogenic (1 of 4 stars; one submission).

Allele frequency attached by ClinVar (database versions not stated): gnomAD exomes 0.00001; ExAC 0.00002.
gnomAD v4.1: 6 of 1,613,900 alleles (0.00037%); highest among the groups gnomAD compares: South Asian, 0.0066%; no homozygotes.

Submission:

GeneDx
Classification: Likely pathogenic. Last evaluated: 2015-09-25. Review status: criteria provided, single submitter. Criteria: GeneDx Variant Classification (06012015). Collection method: clinical testing. Allele origin: germline. Affected: yes.
Comment: The likely pathogenic G797E variant has not been reported previously in association with PXE, but was also not observed in approximately 6,500 individuals of European and African American ancestry in the NHLBI Exome Sequencing Project, indicating it is not a common benign variant in these populations. It is a non-conservative amino acid substitution, which is likely to impact secondary protein structure as these residues differ in polarity, charge, size and/or other properties. This substitution occurs at a position within the first ATP binding domain that is conserved across species and in silico analysis predicts this variant is probably damaging to the protein structure/function. In addition, a missense variant in a nearby residue (N793K) has been reported in the Human Gene Mutation Database in association with PXE (Stenson et al., 2014), supporting the functional importance of this region of the protein. Therefore, this variant is likely pathogenic; although the possibility that it is benign cannot be excluded